The following is an entry in ClinVar:

ClinVar aggregate classification (germline): Likely pathogenic (3 of 4 stars; one submission).

Conditions:
Autosomal recessive limb-girdle muscular dystrophy. Identifiers: Orphanet 102015, MedGen C2931907, MONDO:0015152.

Submission:

ClinGen Limb Girdle Muscular Dystrophy Variant Curation Expert Panel, ClinGen
Classification: Likely pathogenic for Autosomal recessive limb-girdle muscular dystrophy. Last evaluated: 2026-04-28. Review status: reviewed by expert panel. Criteria: ClinGen LGMD VCEP ACMG Specifications CAPN3 V2.0.0. Collection method: curation. Allele origin: germline. Inheritance: Autosomal recessive inheritance.
Comment: The NM_000070.3: c.2362_2363delinsTCA p.(Arg788SerfsTer13) variant in CAPN3 is a frameshift variant predicted to cause a premature stop codon in biologically relevant exon 23/24 that may cause loss of function of the protein; however, the resulting transcript is predicted to escape nonsense mediated decay and to remove <10% of the protein. A different indel resulting in a near-identical frameshift and premature truncation, c.2362_2363delinsTCATCT p.(Arg788SerfsTer14), has been classified as Pathogenic by the LGMD VCEP without the use of PVS1, demonstrating the functional significance of the affected region (PVS1_Strong). This variant has been identified in one individual with a clinical suspicion of LGMD, where it was reported in unconfirmed phase with a pathogenic variant (c.2290del p.(Asp764ThrfsTer12), 0.5 pts, GRASP-LGMD Consortium internal data communication; PM3_Supporting, PP4). The variant is absent from gnomAD v4.1.0 (PM2_Supporting). In summary, this variant meets the criteria to be classified as Likely Pathogenic for autosomal recessive limb girdle muscular dystrophy based on the ACMG/AMP criteria applied, as specified by the ClinGen LGMD VCEP (LGMD VCEP specifications version 2.0.0; 04/28/2026): PVS1_Strong, PM3_Supporting, PP4, PM2_Supporting.

NM_000070.3(CAPN3):c.2362_2363delinsTCA (p.Arg788fs)

Gene: CAPN3 (calpain 3; plus strand). Cytogenetic location: 15q15.1.
Variant type: Indel.
Coding change: c.2362_2363delinsTCA on transcript NM_000070.3 (MANE Select); coding-DNA positions 2362 to 2363, AG replaced by TCA.
Protein change: p.Arg788fs; shifts the reading frame from arginine 788.
Molecular consequence: frameshift variant.
Genome position (GRCh38, 1-based): chr15:42,410,982-42,410,983, AG replaced by TCA. VCF-style: chr15-42410982-AG-TCA. GRCh37 (hg19) VCF-style: chr15-42703180-AG-TCA.
Other names: NM_173090.2:c.367_368delinsTCA; c.2344_2345delinsTCA, p.Arg782fs (NM_024344.2); c.2086_2087delinsTCA, p.Arg696fs (NM_173087.2); c.826_827delinsTCA, p.Arg276fs (NM_173088.2); c.367_368delinsTCA, p.Arg123fs (NM_173089.2, NM_173090.2); short protein forms R123fs, R276fs, R696fs, R782fs, R788fs.
Identifiers: ClinVar variation 4849941 (VCV004849941.1).